The following is an entry in ClinVar:

NM_001330360.2(POLA1):c.3716T>C (p.Val1239Ala)

Gene: POLA1 (DNA polymerase alpha 1, catalytic subunit; plus strand). Cytogenetic location: Xp22.11.
Variant type: single nucleotide variant.
Coding change: c.3716T>C on transcript NM_001330360.2 (MANE Select); coding-DNA position 3716, T replaced by C.
Protein change: p.Val1239Ala; replaces valine 1239 with alanine.
Molecular consequence: missense variant. On other transcripts: non-coding transcript variant (2).
Genome position (GRCh38, 1-based): chrX:24,826,581, T>C. VCF-style: chrX-24826581-T-C. GRCh37 (hg19) VCF-style: chrX-24844698-T-C.
Other names: c.3641T>C, p.Val1214Ala (NM_001378303.1); c.3698T>C, p.Val1233Ala (NM_016937.4); short protein forms V1214A, V1233A, V1239A.
Identifiers: ClinVar variation 3615082 (VCV003615082.2).
Genomic context (GRCh38, chrX:24,826,581, plus strand): 5'-CCCAGCAGATCCACCCAGTCGTGGCTCGGATCTGTGAACCAATAGACGGAATTGATGCTG[T>C]CCTCATTGCAACGTGGTTGGGTAAGTGTCCCAAGCTCACATAGAACCTCACATGGTAACA-3'
Protein context (NP_001317289.1, residues 1229-1249): ICEPIDGIDA[Val1239Ala]LIATWLGLDP

ClinVar aggregate classification (germline): Uncertain significance (1 of 4 stars; one submission).

gnomAD v4.1: 1 of 1,201,102 alleles (0.000083%); highest among the groups gnomAD compares: Admixed American, 0.0022%; no homozygotes.

Submission:

Labcorp Genetics (formerly Invitae), Labcorp
Classification: Uncertain significance. Last evaluated: 2025-05-19. Review status: criteria provided, single submitter. Criteria: Invitae Variant Classification Sherloc (09022015). Collection method: clinical testing. Allele origin: germline.
Comment: This sequence change replaces valine, which is neutral and non-polar, with alanine, which is neutral and non-polar, at codon 1233 of the POLA1 protein (p.Val1233Ala). This variant is present in population databases (no rsID available, gnomAD 0.004%). This variant has not been reported in the literature in individuals affected with POLA1-related conditions. ClinVar contains an entry for this variant (Variation ID: 3615082). Invitae Evidence Modeling of protein sequence and biophysical properties (such as structural, functional, and spatial information, amino acid conservation, physicochemical variation, residue mobility, and thermodynamic stability) indicates that this missense variant is not expected to disrupt POLA1 protein function with a negative predictive value of 80%. In summary, the available evidence is currently insufficient to determine the role of this variant in disease. Therefore, it has been classified as a Variant of Uncertain Significance.